The following is an entry in ClinVar:

NM_000039.3(APOA1):c.457G>A (p.Gly153Ser)

Genes: APOA1-AS (APOA1 antisense RNA; plus strand), APOA1 (apolipoprotein A1; minus strand). Cytogenetic location: 11q23.3.
Variant type: single nucleotide variant.
Coding change: c.457G>A on transcript NM_000039.3 (MANE Select); coding-DNA position 457, G replaced by A.
Protein change: p.Gly153Ser; replaces glycine 153 with serine.
Molecular consequence: missense variant. On other transcripts: non-coding transcript variant (1).
Genome position (GRCh38, 1-based): chr11:116,836,155, C>T on the plus strand (G>A on the coding strand, the complement: APOA1 is on the minus strand). VCF-style: chr11-116836155-C-T. GRCh37 (hg19) VCF-style: chr11-116706871-C-T.
Other names: c.457G>A, p.Gly153Ser (NM_001318017.2, NM_001318018.2); c.130G>A, p.Gly44Ser (NM_001318021.2); short protein forms G153S, G44S.
Identifiers: ClinVar variation 1477153 (VCV001477153.7), dbSNP rs1591330027, ClinGen allele CA382715714.

ClinVar aggregate classification (germline): Uncertain significance. Review status: criteria provided, multiple submitters, no conflicts (2 of 4 stars). 2 submissions from 2 submitters: Uncertain significance (2). Last evaluated 2024-11-03.

Submissions (2):

Labcorp Genetics (formerly Invitae), Labcorp
Classification: Uncertain significance. Last evaluated: 2024-11-03. Review status: criteria provided, single submitter. Criteria: Invitae Variant Classification Sherloc (09022015). Collection method: clinical testing. Allele origin: germline.
Comment: This sequence change replaces glycine, which is neutral and non-polar, with serine, which is neutral and polar, at codon 153 of the APOA1 protein (p.Gly153Ser). This variant is not present in population databases (gnomAD no frequency). This variant has not been reported in the literature in individuals affected with APOA1-related conditions. ClinVar contains an entry for this variant (Variation ID: 1477153). Invitae Evidence Modeling of protein sequence and biophysical properties (such as structural, functional, and spatial information, amino acid conservation, physicochemical variation, residue mobility, and thermodynamic stability) indicates that this missense variant is not expected to disrupt APOA1 protein function with a negative predictive value of 95%. In summary, the available evidence is currently insufficient to determine the role of this variant in disease. Therefore, it has been classified as a Variant of Uncertain Significance.

Breakthrough Genomics
Classification: Uncertain significance. Review status: criteria provided, single submitter. Criteria: ACMG Guidelines, 2015. Collection method: not provided. Allele origin: germline. Inheritance: Autosomal recessive inheritance. Affected: yes.